The following is an entry in ClinVar:

NM_001276270.2(MBD4):c.81C>A (p.Val27=)

Gene: MBD4 (methyl-CpG binding domain 4, DNA glycosylase; minus strand). Cytogenetic location: 3q21.3.
Variant type: single nucleotide variant.
Coding change: c.81C>A on transcript NM_001276270.2 (MANE Select); coding-DNA position 81, C replaced by A.
Protein change: p.Val27=; no amino-acid change (valine 27 retained).
Molecular consequence: synonymous variant.
Genome position (GRCh38, 1-based): chr3:129,439,753, G>T on the plus strand (C>A on the coding strand, the complement: MBD4 is on the minus strand). VCF-style: chr3-129439753-G-T. GRCh37 (hg19) VCF-style: chr3-129158596-G-T.
Other names: c.81C>A, p.Val27= (NM_001276271.2, NM_001276272.2, NM_001276273.2 and 1 more transcripts).
Identifiers: ClinVar variation 3870868 (VCV003870868.2).

ClinVar aggregate classification (germline): Benign/Likely benign. Review status: criteria provided, multiple submitters, no conflicts (2 of 4 stars). 2 submissions from 2 submitters: Benign (1); Likely benign (1). Last evaluated 2026-06-09.

Conditions:
Inborn genetic diseases. Identifiers: MedGen C0950123, MeSH D030342.
Tumor predisposition syndrome 2 (TPDS2). Also called: MBD4-Related Tumor Predisposition Syndrome; MBD4-associated neoplasia syndrome (MANS); MBD4-ASSOCIATED NEOPLASIA SYNDROME. Identifiers: Orphanet 661526, MedGen C5774186, MONDO:0859267, OMIM 619975.

Submissions (2):

Myriad Genetics, Inc.
Classification: Benign for Tumor predisposition syndrome 2. Last evaluated: 2026-06-09. Review status: criteria provided, single submitter. Criteria: Myriad Autosomal Dominant, Autosomal Recessive and X-Linked Classification Criteria (2023). Collection method: clinical testing. Allele origin: unknown.
Comment: This variant is considered benign. This variant is a silent/synonymous amino acid change and it is not expected to impact splicing.

Ambry Genetics
Classification: Likely benign for Inborn genetic diseases. Last evaluated: 2024-12-20. Review status: criteria provided, single submitter. Criteria: Ambry Variant Classification Scheme 2023. Collection method: clinical testing. Allele origin: germline.